The following is an entry in ClinVar:

ClinVar aggregate classification (germline): Benign. Review status: criteria provided, multiple submitters, no conflicts (2 of 4 stars). 3 submissions from 3 submitters: Benign (2). 1 of the submissions does not count toward it. Last evaluated 2026-01-06.

Conditions:
ACAN-related disorder. Also called: ACAN-related condition; ACAN-related disorders.

Allele frequency attached by ClinVar (database versions not stated): gnomAD 0.00001 and 0.00033; TOPMed 0.00009; gnomAD exomes 0.00050 and 0.00112; ExAC 0.00142; 1000 Genomes Project 30x 0.00250; 1000 Genomes Project 0.00280.
gnomAD v4.1: 781 of 1,612,298 alleles (0.048%); highest among the groups gnomAD compares: South Asian, 0.78%; 5 homozygotes.

Submissions (3):

Labcorp Genetics (formerly Invitae), Labcorp
Classification: Benign. Last evaluated: 2026-01-06. Review status: criteria provided, single submitter. Criteria: Invitae Variant Classification Sherloc (09022015). Collection method: clinical testing. Allele origin: germline.

Breakthrough Genomics
Classification: Benign. Review status: criteria provided, single submitter. Criteria: ACMG Guidelines, 2015. Collection method: not provided. Allele origin: germline. Inheritance: Autosomal recessive inheritance. Affected: yes.

PreventionGenetics, part of Exact Sciences
Classification: Benign for ACAN-related condition. Last evaluated: 2019-05-13. Review status: no assertion criteria provided. Collection method: clinical testing. Allele origin: germline. Not counted in ClinVar's aggregate classification.
Comment: This variant is classified as benign based on ACMG/AMP sequence variant interpretation guidelines (Richards et al. 2015 PMID: 25741868, with internal and published modifications).

NM_001369268.1(ACAN):c.394C>T (p.Arg132Cys)

Gene: ACAN (aggrecan; plus strand). Cytogenetic location: 15q26.1.
Variant type: single nucleotide variant.
Coding change: c.394C>T on transcript NM_001369268.1 (MANE Select); coding-DNA position 394, C replaced by T.
Protein change: p.Arg132Cys; replaces arginine 132 with cysteine.
Molecular consequence: missense variant.
Genome position (GRCh38, 1-based): chr15:88,838,986, C>T. VCF-style: chr15-88838986-C-T. GRCh37 (hg19) VCF-style: chr15-89382217-C-T.
Other names: c.394C>T, p.Arg132Cys (NM_001135.4, NM_013227.4); short protein forms R132C.
Identifiers: ClinVar variation 718673 (VCV000718673.13), dbSNP rs550510196, ClinGen allele CA7719207.